The following is an entry in ClinVar:

ClinVar aggregate classification (germline): Uncertain significance. Review status: criteria provided, multiple submitters, no conflicts (2 of 4 stars). 2 submissions from 2 submitters: Uncertain significance (2). Last evaluated 2025-12-08.

Allele frequency attached by ClinVar (database versions not stated): TOPMed 0.00002; ExAC 0.00003; gnomAD exomes 0.00006; gnomAD 0.00001.
gnomAD v4.1: 87 of 1,606,078 alleles (0.0054%); highest among the groups gnomAD compares: South Asian, 0.016%; 1 homozygote.

Submissions (2):

Labcorp Genetics (formerly Invitae), Labcorp
Classification: Uncertain significance. Last evaluated: 2025-12-08. Review status: criteria provided, single submitter. Criteria: Invitae Variant Classification Sherloc (09022015). Collection method: clinical testing. Allele origin: germline.
Comment: This sequence change replaces proline, which is neutral and non-polar, with leucine, which is neutral and non-polar, at codon 467 of the MYLK3 protein (p.Pro467Leu). This variant is present in population databases (rs770077820, gnomAD 0.02%). This variant has not been reported in the literature in individuals affected with MYLK3-related conditions. ClinVar contains an entry for this variant (Variation ID: 2903778). An algorithm developed to predict the effect of missense changes on protein structure and function outputs the following: PolyPhen-2: "Benign". The leucine amino acid residue is found in multiple mammalian species, which suggests that this missense change does not adversely affect protein function. In summary, the available evidence is currently insufficient to determine the role of this variant in disease. Therefore, it has been classified as a Variant of Uncertain Significance.

Ambry Genetics
Classification: Uncertain significance. Last evaluated: 2025-06-30. Review status: criteria provided, single submitter. Criteria: Ambry Variant Classification Scheme 2023. Collection method: clinical testing. Allele origin: germline.

NM_182493.3(MYLK3):c.1400C>T (p.Pro467Leu)

Gene: MYLK3 (myosin light chain kinase 3; minus strand). Cytogenetic location: 16q11.2.
Variant type: single nucleotide variant.
Coding change: c.1400C>T on transcript NM_182493.3 (MANE Select); coding-DNA position 1400, C replaced by T.
Protein change: p.Pro467Leu; replaces proline 467 with leucine.
Molecular consequence: missense variant.
Genome position (GRCh38, 1-based): chr16:46,732,270, G>A on the plus strand (C>T on the coding strand, the complement: MYLK3 is on the minus strand). VCF-style: chr16-46732270-G-A. GRCh37 (hg19) VCF-style: chr16-46766182-G-A.
Other names: c.1400C>T (NM_182493.2); c.377C>T, p.Pro126Leu (NM_001308301.1); short protein forms P467L, P126L.
Identifiers: ClinVar variation 2903778 (VCV002903778.4), dbSNP rs770077820, ClinGen allele CA8037999.
Genomic context (GRCh38, chr16:46,732,270, plus strand): 5'-AGAACCACGCTGCCAGCCTCGGCGCCTGGGGGCATCCTCCTTACTGCTTCAGCTCTCACC[G>A]GAGCCCTGGCTGCACAGTCCTGCTCAGGCTCAGGGTTTCCCGCCCCTGGGCTTTTGCCCT-3'
Protein context (NP_872299.2, residues 457-477): EPEQDCAARA[Pro467Leu]VRAEAVRRMP